The following is an entry in ClinVar:

ClinVar aggregate classification (germline): Likely pathogenic (1 of 4 stars; one submission).

Allele frequency attached by ClinVar (database versions not stated): TOPMed 0.00001 and below 0.00001; gnomAD 0.00001.
gnomAD v4.1: 1 of 1,209,397 alleles (0.000083%); highest among the groups gnomAD compares: African/African-American, 0.0017%; no homozygotes.

Submission:

GeneDx
Classification: Likely pathogenic. Last evaluated: 2017-09-07. Review status: criteria provided, single submitter. Criteria: GeneDx Variant Classification (06012015). Collection method: clinical testing. Allele origin: germline. Affected: yes.
Comment: The D605H variant has not been published as a pathogenic variant, nor has it been reported as a benign variant to our knowledge. The variant is not observed in large population cohorts (Lek et al., 2016; 1000 Genomes Consortium et al., 2015; Exome Variant Server). D605H is a non-conservative amino acid substitution, which is likely to impact secondary protein structure as these residues differ in polarity, charge, size and/or other properties. This substitution occurs at a position that is conserved across species, and in silico analysis predicts this variant is probably damaging to the protein structure/function. Missense variants in the same residue (D605N/Y/G) and in nearby residues (C602S/F, T603P, I604N, R608Q, R609G/M/K) have been reported in the Human Gene Mutation Database in association with AR-related disorders (Stenson et al., 2014), supporting the functional importance of this region of the protein. In summary, this variant is likely pathogenic; however, the possibility that it is benign cannot be excluded.

NM_000044.6(AR):c.1813G>C (p.Asp605His)

Gene: AR (androgen receptor; plus strand). Cytogenetic location: Xq12.
Variant type: single nucleotide variant.
Coding change: c.1813G>C on transcript NM_000044.6 (MANE Select); coding-DNA position 1813, G replaced by C.
Protein change: p.Asp605His; replaces aspartic acid 605 with histidine.
Molecular consequence: missense variant. On other transcripts: 3 prime UTR variant (1).
Genome position (GRCh38, 1-based): chrX:67,686,054, G>C. VCF-style: chrX-67686054-G-C. GRCh37 (hg19) VCF-style: chrX-66905896-G-C.
Other names: c.217G>C, p.Asp73His (NM_001011645.3); c.1813G>C, p.Asp605His (NM_001348061.1, NM_001348063.1); c.*11G>C (NM_001348064.1); short protein forms D605H, D73H.
Identifiers: ClinVar variation 451908 (VCV000451908.2), dbSNP rs1266872442, ClinGen allele CA413429228.